The following is an entry in ClinVar:

ClinVar aggregate classification (germline): Uncertain significance. Review status: criteria provided, multiple submitters, no conflicts (2 of 4 stars). 2 submissions from 2 submitters: Uncertain significance (2). Last evaluated 2024-03-24.

Conditions:
Dilated cardiomyopathy 1W (CMD1W). Identifiers: Orphanet 154, MedGen C1969639, MONDO:0012667, OMIM 611407.
Cardiovascular phenotype. Identifiers: MedGen CN230736.

Submissions (2):

Labcorp Genetics (formerly Invitae), Labcorp
Classification: Uncertain significance for Dilated cardiomyopathy 1W. Last evaluated: 2024-03-24. Review status: criteria provided, single submitter. Criteria: Invitae Variant Classification Sherloc (09022015). Collection method: clinical testing. Allele origin: germline.
Comment: This sequence change replaces alanine, which is neutral and non-polar, with aspartic acid, which is acidic and polar, at codon 415 of the VCL protein (p.Ala415Asp). This variant is not present in population databases (gnomAD no frequency). This variant has not been reported in the literature in individuals affected with VCL-related conditions. An algorithm developed to predict the effect of missense changes on protein structure and function (PolyPhen-2) suggests that this variant is likely to be disruptive. In summary, the available evidence is currently insufficient to determine the role of this variant in disease. Therefore, it has been classified as a Variant of Uncertain Significance.

Ambry Genetics
Classification: Uncertain significance for Cardiovascular phenotype. Last evaluated: 2024-01-22. Review status: criteria provided, single submitter. Criteria: Ambry Variant Classification Scheme 2023. Collection method: clinical testing. Allele origin: germline.
Comment: The p.A415D variant (also known as c.1244C>A), located in coding exon 10 of the VCL gene, results from a C to A substitution at nucleotide position 1244. The alanine at codon 415 is replaced by aspartic acid, an amino acid with dissimilar properties. This amino acid position is conserved. In addition, this alteration is predicted to be deleterious by in silico analysis. Based on the available evidence, the clinical significance of this alteration remains unclear.

NM_014000.3(VCL):c.1244C>A (p.Ala415Asp)

Gene: VCL (vinculin; plus strand). Cytogenetic location: 10q22.2.
Variant type: single nucleotide variant.
Coding change: c.1244C>A on transcript NM_014000.3 (MANE Select); coding-DNA position 1244, C replaced by A.
Protein change: p.Ala415Asp; replaces alanine 415 with aspartic acid.
Molecular consequence: missense variant.
Genome position (GRCh38, 1-based): chr10:74,090,090, C>A. VCF-style: chr10-74090090-C-A. GRCh37 (hg19) VCF-style: chr10-75849848-C-A.
Other names: c.1244C>A, p.Ala415Asp (NM_003373.4); short protein forms A415D.
Identifiers: ClinVar variation 3226283 (VCV003226283.3), dbSNP rs2549223309, ClinGen allele CA377273203.